The following is an entry in ClinVar:

ClinVar aggregate classification (germline): Uncertain significance (1 of 4 stars; one submission).

Allele frequency attached by ClinVar (database versions not stated): gnomAD exomes below 0.00001.
gnomAD v4.1: 1 of 1,614,114 alleles (0.000062%); highest among the groups gnomAD compares: Non-Finnish European, 0.000085%; no homozygotes.

Submission:

MVZ Dr. Eberhard & Partner Dortmund
Classification: Uncertain significance. Last evaluated: 2022-05-10. Review status: criteria provided, single submitter. Criteria: ACMG Guidelines, 2015. Collection method: clinical testing. Allele origin: paternal. Observed: 1 heterozygote. Segregation with disease not observed.
Comment: This variant probably leads to a substitution in the protein sequence from Isoleucine to Valine, which is the wild type amino acid sequence for the homologous STAT5A. The amino acid at this position is one of five differences within the DNA binding domain of STAT5A and STAT5B (PMID: 9852045). Two other missense variants in the functionally relevant domain of the DNA binding domain of STAT5B were described for growth impairment (PMID: 29844444). The variant c.1324A>G is not present in mutational/population databases and is not reported in literature. Computational evidence does not support a deleterious effect.

Literature cited by the submitters: PubMed 9852045; PubMed 29844444.

NM_012448.4(STAT5B):c.1324A>G (p.Ile442Val)

Gene: STAT5B (signal transducer and activator of transcription 5B; minus strand). Cytogenetic location: 17q21.2.
Variant type: single nucleotide variant.
Coding change: c.1324A>G on transcript NM_012448.4 (MANE Select); coding-DNA position 1324, A replaced by G.
Protein change: p.Ile442Val; replaces isoleucine 442 with valine.
Molecular consequence: missense variant.
Genome position (GRCh38, 1-based): chr17:42,217,216, T>C on the plus strand (A>G on the coding strand, the complement: STAT5B is on the minus strand). VCF-style: chr17-42217216-T-C. GRCh37 (hg19) VCF-style: chr17-40369234-T-C.
Other names: short protein forms I442V.
Identifiers: ClinVar variation 1802690 (VCV001802690.2), dbSNP rs2508749824, ClinGen allele CA399581159.
Genomic context (GRCh38, chr17:42,217,216, plus strand): 5'-TTACCTTGACTTGAAAAACCAGCTCATTTCCACCAACACTGAACTGGGATTCAAACAGGA[T>C]TGTAAATTTTTCTTCTGTCACCGACTCTGCCCCACGACGGTCTGACCTCTTAATTCGTTT-3'
Protein context (NP_036580.2, residues 432-452): AESVTEEKFT[Ile442Val]LFESQFSVGG